The following is an entry in ClinVar:

NM_004415.4(DSP):c.561C>T (p.Val187=)

Gene: DSP (desmoplakin; plus strand). Cytogenetic location: 6p24.3.
Variant type: single nucleotide variant.
Coding change: c.561C>T on transcript NM_004415.4 (MANE Select); coding-DNA position 561, C replaced by T.
Protein change: p.Val187=; no amino-acid change (valine 187 retained).
Molecular consequence: synonymous variant.
Genome position (GRCh38, 1-based): chr6:7,559,364, C>T. VCF-style: chr6-7559364-C-T. GRCh37 (hg19) VCF-style: chr6-7559597-C-T.
Other names: c.561C>T, p.Val187= (NM_001008844.3, NM_001319034.2); c.561C>T (LRG_423t1, NM_004415.3).
Identifiers: ClinVar variation 388723 (VCV000388723.24), dbSNP rs199585428, ClinGen allele CA045404.
Genomic context (GRCh38, chr6:7,559,364, plus strand): 5'-GGGTGGTGGAGGCTACACTTGTCAGAGTGGCTCTGGCTGGGATGAGTTCACCAAACATGT[C>T]ACCAGTGAATGTTTGGGGTGGATGAGGCAGCAAAGGGTAAGCAGCTTCTTGAACAGCCCA-3'
Protein context (NP_004406.2, residues 177-197): GSGWDEFTKH[Val187=]TSECLGWMRQ

ClinVar aggregate classification (germline): Likely benign. Review status: criteria provided, multiple submitters, no conflicts (2 of 4 stars). 9 submissions from 9 submitters: Likely benign (7). 2 of the submissions do not count toward it. Last evaluated 2026-02-03.

Conditions:
DSP-related disorder. Also called: DSP-related disorders; DSP-related condition.
Cardiovascular phenotype. Identifiers: MedGen CN230736.
Arrhythmogenic right ventricular dysplasia 8 (ARVD8). Also called: ARRHYTHMOGENIC RIGHT VENTRICULAR DYSPLASIA, FAMILIAL, 8; ARRHYTHMOGENIC RIGHT VENTRICULAR CARDIOMYOPATHY 8; Arrhythmogenic Right Ventricular Dysplasia/Cardiomyopathy 8. Identifiers: MedGen C1843896, MONDO:0011831, OMIM 607450.
Arrhythmogenic cardiomyopathy with wooly hair and keratoderma. Also called: PALMOPLANTAR KERATODERMA WITH LEFT VENTRICULAR CARDIOMYOPATHY AND WOOLLY HAIR; Carvajal syndrome; Arrhythmogenic cardiomyopathy with woolly hair and keratoderma; Dilated cardiomyopathy with woolly hair and keratoderma. Identifiers: Orphanet 65282, MedGen C1854063, MONDO:0011581, OMIM 605676.
Cardiomyopathy (CMYO). Also called: Cardiomyopathies. Identifiers: Orphanet 167848, MedGen C0878544, MONDO:0004994, HP:0001638. Inheritance: Various modes of inheritance.

Allele frequency attached by ClinVar (database versions not stated): gnomAD exomes 0.00003 and 0.00004; ExAC 0.00004; gnomAD 0.00006; TOPMed 0.00006.
gnomAD v4.1: 72 of 1,613,136 alleles (0.0045%); highest among the groups gnomAD compares: Non-Finnish European, 0.0058%; no homozygotes.

Submissions (9):

Labcorp Genetics (formerly Invitae), Labcorp
Classification: Likely benign for Arrhythmogenic cardiomyopathy with wooly hair and keratoderma; Arrhythmogenic right ventricular dysplasia 8. Last evaluated: 2026-02-03. Review status: criteria provided, single submitter. Criteria: Invitae Variant Classification Sherloc (09022015). Collection method: clinical testing. Allele origin: germline.

PreventionGenetics, part of Exact Sciences
Classification: Likely benign for DSP-related condition. Last evaluated: 2025-09-03. Review status: criteria provided, single submitter. Criteria: ACMG Guidelines, 2015. Collection method: clinical testing. Allele origin: germline.
Comment: This variant is classified as likely benign based on ACMG/AMP sequence variant interpretation guidelines (Richards et al. 2015 PMID: 25741868, with internal and published modifications).

Blueprint Genetics
Classification: Likely benign. Last evaluated: 2023-09-21. Review status: criteria provided, single submitter. Criteria: ACMG Guidelines, 2015. Collection method: clinical testing. Allele origin: germline.

CHEO Genetics Diagnostic Laboratory, Children's Hospital of Eastern Ontario
Classification: Likely benign for Cardiomyopathy. Last evaluated: 2020-09-18. Review status: criteria provided, single submitter. Criteria: ACMG Guidelines, 2015. Collection method: clinical testing. Allele origin: germline.

GeneDx
Classification: Likely benign. Last evaluated: 2020-06-22. Review status: criteria provided, single submitter. Criteria: GeneDx Variant Classification Process June 2021. Collection method: clinical testing. Allele origin: germline. Affected: yes.

Color Diagnostics, LLC DBA Color Health
Classification: Likely benign for Cardiomyopathy. Last evaluated: 2018-11-30. Review status: criteria provided, single submitter. Criteria: ACMG Guidelines, 2015. Collection method: clinical testing. Allele origin: germline.

Ambry Genetics
Classification: Likely benign for Cardiovascular phenotype. Last evaluated: 2018-02-26. Review status: criteria provided, single submitter. Criteria: Ambry Variant Classification Scheme 2023. Collection method: clinical testing. Allele origin: germline.

Clinical Genetics, Academic Medical Center
Classification: Benign. Review status: no assertion criteria provided. Collection method: clinical testing. Allele origin: germline. Affected: yes. Study: VKGL Data-share Consensus. Not counted in ClinVar's aggregate classification.

Joint Genome Diagnostic Labs from Nijmegen and Maastricht, Radboudumc and MUMC+
Classification: Likely benign. Review status: no assertion criteria provided. Collection method: clinical testing. Allele origin: germline. Affected: yes. Study: VKGL Data-share Consensus. Not counted in ClinVar's aggregate classification.